The following is an entry in ClinVar:

NM_032120.4(RBM48):c.752C>T (p.Ser251Phe)

Gene: RBM48 (RNA binding motif protein 48; plus strand). Cytogenetic location: 7q21.2.
Variant type: single nucleotide variant.
Coding change: c.752C>T on transcript NM_032120.4 (MANE Select); coding-DNA position 752, C replaced by T.
Protein change: p.Ser251Phe; replaces serine 251 with phenylalanine.
Molecular consequence: missense variant.
Genome position (GRCh38, 1-based): chr7:92,534,705, C>T. VCF-style: chr7-92534705-C-T. GRCh37 (hg19) VCF-style: chr7-92164019-C-T.
Other names: c.752C>T (NM_032120.2); c.752C>T, p.Ser251Phe (NM_001363366.1); c.227C>T, p.Ser76Phe (NM_001363367.1); short protein forms S251F, S76F.
Identifiers: ClinVar variation 1391385 (VCV001391385.10), dbSNP rs201985237, ClinGen allele CA4341927.
Genomic context (GRCh38, chr7:92,534,705, plus strand): 5'-ATCATAAAACAATGGGGCATTATAACCACAATGACTCTTTGCGGAAAACACAGATAAACT[C>T]TTTGAAAAACTCAGTGGCCTGCCCTGGTGCACAAAAGGCTATTACGTCTTCAGAGGCAGT-3'
Protein context (NP_115496.2, residues 241-261): NDSLRKTQIN[Ser251Phe]LKNSVACPGA

ClinVar aggregate classification (germline): Uncertain significance. Review status: criteria provided, multiple submitters, no conflicts (2 of 4 stars). 2 submissions from 2 submitters: Uncertain significance (2). Last evaluated 2026-01-06.

Allele frequency attached by ClinVar (database versions not stated): gnomAD 0.00053 and 0.00056; gnomAD exomes 0.00061 and 0.00107; ExAC 0.00065; TOPMed 0.00068; ESP Exome Variant Server 0.00075.

Submissions (2):

Labcorp Genetics (formerly Invitae), Labcorp
Classification: Uncertain significance. Last evaluated: 2026-01-06. Review status: criteria provided, single submitter. Criteria: Invitae Variant Classification Sherloc (09022015). Collection method: clinical testing. Allele origin: germline.
Comment: This sequence change replaces serine, which is neutral and polar, with phenylalanine, which is neutral and non-polar, at codon 251 of the RBM48 protein (p.Ser251Phe). This variant is present in population databases (rs201985237, gnomAD 0.1%), and has an allele count higher than expected for a pathogenic variant. This variant has not been reported in the literature in individuals affected with RBM48-related conditions. ClinVar contains an entry for this variant (Variation ID: 1391385). Invitae Evidence Modeling of protein sequence and biophysical properties (such as structural, functional, and spatial information, amino acid conservation, physicochemical variation, residue mobility, and thermodynamic stability) indicates that this missense variant is not expected to disrupt RBM48 protein function with a negative predictive value of 80%. In summary, the available evidence is currently insufficient to determine the role of this variant in disease. Therefore, it has been classified as a Variant of Uncertain Significance.

Ambry Genetics
Classification: Uncertain significance. Last evaluated: 2024-08-20. Review status: criteria provided, single submitter. Criteria: Ambry Variant Classification Scheme 2023. Collection method: clinical testing. Allele origin: germline.